The following is an entry in ClinVar:

NM_001127208.3(TET2):c.196A>G (p.Met66Val)

Genes: TET2 (tet methylcytosine dioxygenase 2; plus strand), TET2-AS1 (TET2 antisense RNA 1; minus strand). Cytogenetic location: 4q24.
Variant type: single nucleotide variant.
Coding change: c.196A>G on transcript NM_001127208.3 (MANE Select); coding-DNA position 196, A replaced by G.
Protein change: p.Met66Val; replaces methionine 66 with valine.
Molecular consequence: missense variant.
Genome position (GRCh38, 1-based): chr4:105,234,138, A>G. VCF-style: chr4-105234138-A-G. GRCh37 (hg19) VCF-style: chr4-106155295-A-G.
Other names: c.196A>G, p.Met66Val (NM_017628.4); short protein forms M66V.
Identifiers: ClinVar variation 3806083 (VCV003806083.1).

ClinVar aggregate classification (germline): Uncertain significance (1 of 4 stars; one submission).

gnomAD v4.1: 3 of 1,614,202 alleles (0.00019%); highest among the groups gnomAD compares: Non-Finnish European, 0.00025%; no homozygotes.

Submission:

Ambry Genetics
Classification: Uncertain significance. Last evaluated: 2025-02-23. Review status: criteria provided, single submitter. Criteria: Ambry Variant Classification Scheme 2023. Collection method: clinical testing. Allele origin: germline.
Comment: The p.M66V variant (also known as c.196A>G), located in coding exon 1 of the TET2 gene, results from an A to G substitution at nucleotide position 196. The methionine at codon 66 is replaced by valine, an amino acid with highly similar properties. This amino acid position is conserved. In addition, this alteration is predicted to be tolerated by in silico analysis. Based on the available evidence, the clinical significance of this variant remains unclear.